The following is an entry in ClinVar:

NM_016599.5(MYOZ2):c.577G>A (p.Gly193Arg)

Gene: MYOZ2 (myozenin 2; plus strand). Cytogenetic location: 4q26.
Variant type: single nucleotide variant.
Coding change: c.577G>A on transcript NM_016599.5 (MANE Select); coding-DNA position 577, G replaced by A.
Protein change: p.Gly193Arg; replaces glycine 193 with arginine.
Molecular consequence: missense variant.
Genome position (GRCh38, 1-based): chr4:119,185,982, G>A. VCF-style: chr4-119185982-G-A. GRCh37 (hg19) VCF-style: chr4-120107137-G-A.
Other names: short protein forms G193R.
Identifiers: ClinVar variation 2735086 (VCV002735086.4), dbSNP rs2529809570, ClinGen allele CA358201385.

ClinVar aggregate classification (germline): Uncertain significance. Review status: criteria provided, multiple submitters, no conflicts (2 of 4 stars). 2 submissions from 2 submitters: Uncertain significance (2). Last evaluated 2024-07-25.

Conditions:
Cardiovascular phenotype. Identifiers: MedGen CN230736.
Hypertrophic cardiomyopathy. Also called: HYPERTROPHIC MYOCARDIOPATHY. Identifiers: Orphanet 217569, MedGen C0007194, MeSH D002312, MONDO:0005045, HP:0001639.

Allele frequency attached by ClinVar (database versions not stated): gnomAD exomes below 0.00001.
gnomAD v4.1: 3 of 1,613,060 alleles (0.00019%); highest among the groups gnomAD compares: Non-Finnish European, 0.00025%; no homozygotes.

Submissions (2):

Ambry Genetics
Classification: Uncertain significance for Cardiovascular phenotype. Last evaluated: 2024-07-25. Review status: criteria provided, single submitter. Criteria: Ambry Variant Classification Scheme 2023. Collection method: clinical testing. Allele origin: germline.
Comment: The p.G193R variant (also known as c.577G>A), located in coding exon 5 of the MYOZ2 gene, results from a G to A substitution at nucleotide position 577. The glycine at codon 193 is replaced by arginine, an amino acid with dissimilar properties. This amino acid position is conserved. In addition, this alteration is predicted to be deleterious by in silico analysis. Based on the available evidence, the clinical significance of this variant remains unclear.

Labcorp Genetics (formerly Invitae), Labcorp
Classification: Uncertain significance for Hypertrophic cardiomyopathy. Last evaluated: 2023-11-28. Review status: criteria provided, single submitter. Criteria: Invitae Variant Classification Sherloc (09022015). Collection method: clinical testing. Allele origin: germline.
Comment: This sequence change replaces glycine, which is neutral and non-polar, with arginine, which is basic and polar, at codon 193 of the MYOZ2 protein (p.Gly193Arg). This variant is not present in population databases (gnomAD no frequency). This variant has not been reported in the literature in individuals affected with MYOZ2-related conditions. Advanced modeling of protein sequence and biophysical properties (such as structural, functional, and spatial information, amino acid conservation, physicochemical variation, residue mobility, and thermodynamic stability) has been performed at Invitae for this missense variant, however the output from this modeling did not meet the statistical confidence thresholds required to predict the impact of this variant on MYOZ2 protein function. In summary, the available evidence is currently insufficient to determine the role of this variant in disease. Therefore, it has been classified as a Variant of Uncertain Significance.